The following is an entry in ClinVar:

ClinVar aggregate classification (germline): Uncertain significance. Review status: criteria provided, multiple submitters, no conflicts (2 of 4 stars). 2 submissions from 2 submitters: Uncertain significance (2). Last evaluated 2024-06-05.

Allele frequency attached by ClinVar (database versions not stated): gnomAD exomes 0.00001.
gnomAD v4.1: 4 of 1,613,334 alleles (0.00025%); highest among the groups gnomAD compares: South Asian, 0.0011%; no homozygotes.

Submissions (2):

Labcorp Genetics (formerly Invitae), Labcorp
Classification: Uncertain significance. Last evaluated: 2024-06-05. Review status: criteria provided, single submitter. Criteria: Invitae Variant Classification Sherloc (09022015). Collection method: clinical testing. Allele origin: germline.
Comment: This sequence change replaces valine, which is neutral and non-polar, with isoleucine, which is neutral and non-polar, at codon 4915 of the HMCN1 protein (p.Val4915Ile). This variant is present in population databases (no rsID available, gnomAD 0.002%). This variant has not been reported in the literature in individuals affected with HMCN1-related conditions. ClinVar contains an entry for this variant (Variation ID: 2114462). Algorithms developed to predict the effect of missense changes on protein structure and function output the following: SIFT: "Not Available"; PolyPhen-2: "Benign"; Align-GVGD: "Not Available". The isoleucine amino acid residue is found in multiple mammalian species, which suggests that this missense change does not adversely affect protein function. In summary, the available evidence is currently insufficient to determine the role of this variant in disease. Therefore, it has been classified as a Variant of Uncertain Significance.

Ambry Genetics
Classification: Uncertain significance. Last evaluated: 2023-11-09. Review status: criteria provided, single submitter. Criteria: Ambry Variant Classification Scheme 2023. Collection method: clinical testing. Allele origin: germline.

NM_031935.3(HMCN1):c.14743G>A (p.Val4915Ile)

Gene: HMCN1 (hemicentin 1; plus strand). Cytogenetic location: 1q31.1.
Variant type: single nucleotide variant.
Coding change: c.14743G>A on transcript NM_031935.3 (MANE Select); coding-DNA position 14743, G replaced by A.
Protein change: p.Val4915Ile; replaces valine 4915 with isoleucine.
Molecular consequence: missense variant.
Genome position (GRCh38, 1-based): chr1:186,151,334, G>A. VCF-style: chr1-186151334-G-A. GRCh37 (hg19) VCF-style: chr1-186120466-G-A.
Other names: c.14743G>A (NM_031935.2); short protein forms V4915I.
Identifiers: ClinVar variation 2114462 (VCV002114462.5), dbSNP rs150883167, ClinGen allele CA343920522.